The following is an entry in ClinVar:

ClinVar aggregate classification (germline): Uncertain significance (1 of 4 stars; one submission).

Conditions:
Isolated microphthalmia 4. Identifiers: Orphanet 2542, MedGen C2751307, MONDO:0013130, OMIM 613094.
Microphthalmia, isolated, with coloboma 6 (MCOPCB6). Also called: Microphthalmia with coloboma 6, digenic; Microphthalmia with coloboma 6; MICROPHTHALMIA/COLOBOMA 6. Identifiers: Orphanet 98938, MedGen C3150968, MONDO:0013376, OMIM 613703.
Leber congenital amaurosis 17 (LCA17). Identifiers: Orphanet 65, MedGen C3715164, MONDO:0014145, OMIM 615360.
Klippel-Feil syndrome 1, autosomal dominant (KFS1). Also called: CERVICAL VERTEBRAL FUSION, AUTOSOMAL DOMINANT. Identifiers: Orphanet 2345, MedGen C1861689, MONDO:0007306, OMIM 118100.

Submission:

Labcorp Genetics (formerly Invitae), Labcorp
Classification: Uncertain significance for Isolated microphthalmia 4; Leber congenital amaurosis 17; Klippel-Feil syndrome 1, autosomal dominant; Microphthalmia, isolated, with coloboma 6. Last evaluated: 2025-03-30. Review status: criteria provided, single submitter. Criteria: Invitae Variant Classification Sherloc (09022015). Collection method: clinical testing. Allele origin: germline.
Comment: This sequence change replaces isoleucine, which is neutral and non-polar, with methionine, which is neutral and non-polar, at codon 433 of the GDF6 protein (p.Ile433Met). This variant is not present in population databases (gnomAD no frequency). This variant has not been reported in the literature in individuals affected with GDF6-related conditions. Invitae Evidence Modeling of protein sequence and biophysical properties (such as structural, functional, and spatial information, amino acid conservation, physicochemical variation, residue mobility, and thermodynamic stability) indicates that this missense variant is not expected to disrupt GDF6 protein function with a negative predictive value of 80%. In summary, the available evidence is currently insufficient to determine the role of this variant in disease. Therefore, it has been classified as a Variant of Uncertain Significance.

NM_001001557.4(GDF6):c.1299C>G (p.Ile433Met)

Gene: GDF6 (growth differentiation factor 6; minus strand). Cytogenetic location: 8q22.1.
Variant type: single nucleotide variant.
Coding change: c.1299C>G on transcript NM_001001557.4 (MANE Select); coding-DNA position 1299, C replaced by G.
Protein change: p.Ile433Met; replaces isoleucine 433 with methionine.
Molecular consequence: missense variant.
Genome position (GRCh38, 1-based): chr8:96,144,632, G>C on the plus strand (C>G on the coding strand, the complement: GDF6 is on the minus strand). VCF-style: chr8-96144632-G-C. GRCh37 (hg19) VCF-style: chr8-97156860-G-C.
Other names: short protein forms I433M.
Identifiers: ClinVar variation 4794676 (VCV004794676.1).